The following is an entry in ClinVar:

ClinVar aggregate classification (germline): Uncertain significance (1 of 4 stars; one submission).

Conditions:
Familial acute necrotizing encephalopathy (IIAE3). Also called: ENCEPHALOPATHY, ACUTE, INFECTION-INDUCED, SUSCEPTIBILITY TO, 3; Susceptibility to Acute Necrotizing Encephalopathy 1. Identifiers: Orphanet 88619, MedGen C2675556, MONDO:0011953, OMIM 608033.

Allele frequency attached by ClinVar (database versions not stated): gnomAD 0.00001; gnomAD exomes 0.00001 and 0.00008; ExAC 0.00002; TOPMed 0.00003.
gnomAD v4.1: 124 of 1,613,860 alleles (0.0077%); highest among the groups gnomAD compares: Non-Finnish European, 0.01%; no homozygotes.

Submission:

Labcorp Genetics (formerly Invitae), Labcorp
Classification: Uncertain significance for Familial acute necrotizing encephalopathy. Last evaluated: 2022-06-01. Review status: criteria provided, single submitter. Criteria: Invitae Variant Classification Sherloc (09022015). Collection method: clinical testing. Allele origin: germline.
Comment: This variant has not been reported in the literature in individuals affected with RANBP2-related conditions. This sequence change replaces lysine, which is basic and polar, with threonine, which is neutral and polar, at codon 1139 of the RANBP2 protein (p.Lys1139Thr). This variant is present in population databases (rs751281688, gnomAD 0.003%). ClinVar contains an entry for this variant (Variation ID: 1043484). Algorithms developed to predict the effect of missense changes on protein structure and function are either unavailable or do not agree on the potential impact of this missense change (SIFT: "Deleterious"; PolyPhen-2: "Benign"; Align-GVGD: "Class C65"). In summary, the available evidence is currently insufficient to determine the role of this variant in disease. Therefore, it has been classified as a Variant of Uncertain Significance.

NM_006267.5(RANBP2):c.3416A>C (p.Lys1139Thr)

Gene: RANBP2 (RAN binding protein 2; plus strand). Cytogenetic location: 2q13.
Variant type: single nucleotide variant.
Coding change: c.3416A>C on transcript NM_006267.5 (MANE Select); coding-DNA position 3416, A replaced by C.
Protein change: p.Lys1139Thr; replaces lysine 1139 with threonine.
Molecular consequence: missense variant.
Genome position (GRCh38, 1-based): chr2:108,763,955, A>C. VCF-style: chr2-108763955-A-C. GRCh37 (hg19) VCF-style: chr2-109380411-A-C.
Other names: short protein forms K1139T.
Identifiers: ClinVar variation 1043484 (VCV001043484.9), dbSNP rs751281688, ClinGen allele CA1822943.
Genomic context (GRCh38, chr2:108,763,955, plus strand): 5'-AGCAAAAGAATTCTGGTTTTCGGCGAAGTGATGATATGTTTACTTTCCATGGTCCAGGGA[A>C]ATCAGTATTTGGAACACCCACTTTAGAGACAGCAAACAAGAATCATGAGACAGATGGAGG-3'
Protein context (NP_006258.3, residues 1129-1149): DDMFTFHGPG[Lys1139Thr]SVFGTPTLET